The following is an entry in ClinVar:

ClinVar aggregate classification (germline): Benign/Likely benign. Review status: criteria provided, multiple submitters, no conflicts (2 of 4 stars). 2 submissions from 2 submitters: Benign (1); Likely benign (1). Last evaluated 2025-02-21.

Conditions:
Familial adenomatous polyposis 1 (FAP1). Also called: POLYPOSIS, ADENOMATOUS INTESTINAL; FAMILIAL ADENOMATOUS POLYPOSIS 1, ATTENUATED. Identifiers: MedGen C2713442, MONDO:0021056, OMIM 175100. Disease mechanism: loss of function.
Hereditary cancer-predisposing syndrome. Also called: Neoplastic Syndromes, Hereditary; Tumor predisposition; Hereditary neoplastic syndrome; Hereditary Cancer Syndrome. Identifiers: Orphanet 140162, MedGen C0027672, MeSH D009386, MONDO:0015356.

Allele frequency attached by ClinVar (database versions not stated): gnomAD exomes below 0.00001; gnomAD 0.00001.
gnomAD v4.1: 5 of 1,613,980 alleles (0.00031%); highest among the groups gnomAD compares: South Asian, 0.0033%; no homozygotes.

Submissions (2):

Ambry Genetics
Classification: Likely benign for Hereditary cancer-predisposing syndrome. Last evaluated: 2025-02-21. Review status: criteria provided, single submitter. Criteria: Ambry Variant Classification Scheme 2023. Collection method: clinical testing. Allele origin: germline.

Myriad Genetics, Inc.
Classification: Benign for Familial adenomatous polyposis 1. Last evaluated: 2024-03-12. Review status: criteria provided, single submitter. Criteria: Myriad Autosomal Dominant, Autosomal Recessive and X-Linked Classification Criteria (2023). Collection method: clinical testing. Allele origin: unknown.
Comment: This variant is considered benign. This variant is a silent/synonymous amino acid change and it is not expected to impact splicing.

NM_000038.6(APC):c.2436C>T (p.Asp812=)

Gene: APC (APC regulator of Wnt signaling pathway; plus strand). Cytogenetic location: 5q22.2.
Variant type: single nucleotide variant.
Coding change: c.2436C>T on transcript NM_000038.6 (MANE Select); coding-DNA position 2436, C replaced by T.
Protein change: p.Asp812=; no amino-acid change (aspartic acid 812 retained).
Molecular consequence: synonymous variant. On other transcripts: non-coding transcript variant (2).
Genome position (GRCh38, 1-based): chr5:112,838,030, C>T. VCF-style: chr5-112838030-C-T. GRCh37 (hg19) VCF-style: chr5-112173727-C-T.
Other names: c.2436C>T, p.Asp812= (NM_001127510.3, NM_001354895.2, NM_001407450.1); c.2382C>T, p.Asp794= (NM_001127511.3); c.2490C>T, p.Asp830= (NM_001354896.2, NM_001407447.1, NM_001407448.1 and 1 more transcripts); c.2466C>T, p.Asp822= (NM_001354897.2); c.2361C>T, p.Asp787= (NM_001354898.2); c.2352C>T, p.Asp784= (NM_001354899.2); c.2313C>T, p.Asp771= (NM_001354900.2); c.2259C>T, p.Asp753= (NM_001354901.2, NM_001407453.1); and 12 more.
Identifiers: ClinVar variation 3148741 (VCV003148741.2), dbSNP rs1358289363, ClinGen allele CA445963480.